The following is an entry in ClinVar:

NM_006231.4(POLE):c.6483dup (p.Asn2162Ter)

Gene: POLE (DNA polymerase epsilon, catalytic subunit; minus strand). Cytogenetic location: 12q24.33.
Variant type: Duplication.
Coding change: c.6483dup on transcript NM_006231.4 (MANE Select); coding-DNA position 6483, one base duplicated (T; older notation c.6483dupT).
Protein change: p.Asn2162Ter; replaces asparagine 2162 with a stop codon.
Molecular consequence: nonsense.
Genome position (GRCh38, 1-based): chr12:132,626,165, A duplicated on the plus strand (T on the coding strand, the reverse complement: POLE is on the minus strand). VCF-style (leftmost placement, unchanged base first): chr12-132626164-T-TA. GRCh37 (hg19) VCF-style: chr12-133202750-T-TA.
Other names: c.6483dupT (NM_006231.2); short protein forms N2162*.
Identifiers: ClinVar variation 971169 (VCV000971169.12), dbSNP rs2041834385, ClinGen allele CA1139662971.

ClinVar aggregate classification (germline): Conflicting classifications of pathogenicity. Review status: criteria provided, conflicting classifications (1 of 4 stars). 3 submissions from 3 submitters: Pathogenic (1); Uncertain significance (2). Last evaluated 2025-07-15.

Conditions:
Intrauterine growth retardation, metaphyseal dysplasia, adrenal hypoplasia congenita, genital anomalies, and immunodeficiency. Also called: IMAGEI SYNDROME. Identifiers: MedGen C5193036, MONDO:0032684, OMIM 618336.
Facial dysmorphism-immunodeficiency-livedo-short stature syndrome. Also called: Facial dysmorphism, immunodeficiency, livedo, and short stature; FILS syndrome. Identifiers: Orphanet 352712, MedGen C3554576, MONDO:0014058, OMIM 615139.
Colorectal cancer, susceptibility to, 12 (CRCS12). Also called: COLORECTAL CANCER, SUSCEPTIBILITY TO, ON CHROMOSOME 12q24. Identifiers: Orphanet 220460, MedGen C3554460, MONDO:0014038, OMIM 615083.
Hereditary cancer-predisposing syndrome. Also called: Neoplastic Syndromes, Hereditary; Hereditary Cancer Syndrome; Tumor predisposition; Hereditary neoplastic syndrome. Identifiers: Orphanet 140162, MedGen C0027672, MeSH D009386, MONDO:0015356.

Submissions (3):

Ambry Genetics
Classification: Uncertain significance for Hereditary cancer-predisposing syndrome. Last evaluated: 2025-07-15. Review status: criteria provided, single submitter. Criteria: Ambry Variant Classification Scheme 2023. Collection method: clinical testing. Allele origin: germline.
Comment: The c.6483dupT variant, located in coding exon 46 of the POLE gene, results from a duplication of T at nucleotide position 6483, causing a translational frameshift with a predicted alternate stop codon (p.N2162*). This alteration is expected to result in loss of function by premature protein truncation or nonsense-mediated mRNA decay. Although biallelic loss of function of POLE has been associated with autosomal recessive POLE deficiency, haploinsufficiency of POLE has not been established as a mechanism of disease for POLE-related polymerase proofreading-associated polyposis (PPAP) and POLE-related CMMRD-like syndrome. Based on the supporting evidence, this variant is expected to be causative of POLE deficiency when present along with a second pathogenic variant on the other allele; however, its clinical significance for PPAP and POLE-related CMMRD-like syndrome is unclear.

Labcorp Genetics (formerly Invitae), Labcorp
Classification: Pathogenic. Last evaluated: 2023-07-31. Review status: criteria provided, single submitter. Criteria: Invitae Variant Classification Sherloc (09022015). Collection method: clinical testing. Allele origin: germline.
Comment: For these reasons, this variant has been classified as Pathogenic. ClinVar contains an entry for this variant (Variation ID: 971169). This variant has not been reported in the literature in individuals affected with POLE-related conditions. This variant is not present in population databases (gnomAD no frequency). This sequence change creates a premature translational stop signal (p.Asn2162*) in the POLE gene. It is expected to result in an absent or disrupted protein product. Loss-of-function variants in POLE are known to be pathogenic (PMID: 23230001, 25948378, 30503519).

Fulgent Genetics
Classification: Uncertain significance for Colorectal cancer, susceptibility to, 12; Facial dysmorphism-immunodeficiency-livedo-short stature syndrome; Intrauterine growth retardation, metaphyseal dysplasia, adrenal hypoplasia congenita, genital anomalies, and immunodeficiency. Last evaluated: 2022-05-12. Review status: criteria provided, single submitter. Criteria: ACMG Guidelines, 2015. Collection method: clinical testing. Allele origin: unknown.

Literature cited by the submitters: PubMed 23230001 (cited by Labcorp Genetics (formerly Invitae), Labcorp); PubMed 25948378 (cited by Labcorp Genetics (formerly Invitae), Labcorp); PubMed 30503519 (cited by Labcorp Genetics (formerly Invitae), Labcorp).